The following is an entry in ClinVar:

ClinVar aggregate classification (germline): Likely benign (0 of 4 stars; one submission).

Conditions:
NECTIN2-related disorder. Also called: NECTIN2-related condition.

Allele frequency attached by ClinVar (database versions not stated): gnomAD 0.00009; gnomAD exomes 0.00011; TOPMed 0.00014; 1000 Genomes Project 30x 0.00031; 1000 Genomes Project 0.00040.
gnomAD v4.1: 169 of 1,613,530 alleles (0.01%); highest among the groups gnomAD compares: East Asian, 0.13%; no homozygotes.

Submission:

PreventionGenetics, part of Exact Sciences
Classification: Likely benign for NECTIN2-related condition. Last evaluated: 2019-09-17. Review status: no assertion criteria provided. Collection method: clinical testing. Allele origin: germline.
Comment: This variant is classified as likely benign based on ACMG/AMP sequence variant interpretation guidelines (Richards et al. 2015 PMID: 25741868, with internal and published modifications).

NM_001042724.2(NECTIN2):c.288G>A (p.Pro96=)

Gene: NECTIN2 (nectin cell adhesion molecule 2; plus strand). Cytogenetic location: 19q13.32.
Variant type: single nucleotide variant.
Coding change: c.288G>A on transcript NM_001042724.2 (MANE Select); coding-DNA position 288, G replaced by A.
Protein change: p.Pro96=; no amino-acid change (proline 96 retained).
Molecular consequence: synonymous variant.
Genome position (GRCh38, 1-based): chr19:44,865,470, G>A. VCF-style: chr19-44865470-G-A. GRCh37 (hg19) VCF-style: chr19-45368727-G-A.
Other names: c.288G>A, p.Pro96= (NM_002856.3).
Identifiers: ClinVar variation 3034208 (VCV003034208.2), dbSNP rs201817533, ClinGen allele CA9505079.
Genomic context (GRCh38, chr19:44,865,470, plus strand): 5'-TGCGAACCACCAGAATGTGGCCGCCTTCCACCCTAAGATGGGTCCCAGCTTCCCCAGCCC[G>A]AAGCCTGGCAGCGAGCGGCTGTCCTTCGTCTCTGCCAAGCAGAGCACTGGGCAAGACACA-3'
Protein context (NP_001036189.1, residues 86-106): HPKMGPSFPS[Pro96=]KPGSERLSFV